The following is an entry in ClinVar:

NM_000051.4(ATM):c.1107T>C (p.Ser369=)

Gene: ATM (ATM serine/threonine kinase; plus strand). Cytogenetic location: 11q22.3.
Variant type: single nucleotide variant.
Coding change: c.1107T>C on transcript NM_000051.4 (MANE Select); coding-DNA position 1107, T replaced by C.
Protein change: p.Ser369=; no amino-acid change (serine 369 retained).
Molecular consequence: synonymous variant.
Genome position (GRCh38, 1-based): chr11:108,248,974, T>C. VCF-style: chr11-108248974-T-C. GRCh37 (hg19) VCF-style: chr11-108119701-T-C.
Other names: c.1107T>C, p.Ser369= (NM_001351834.2).
Identifiers: ClinVar variation 1794086 (VCV001794086.3), dbSNP rs2135291334, ClinGen allele CA476671678.

ClinVar aggregate classification (germline): Benign/Likely benign. Review status: criteria provided, multiple submitters, no conflicts (2 of 4 stars). 2 submissions from 2 submitters: Benign (1); Likely benign (1). Last evaluated 2024-04-25.

Conditions:
Hereditary cancer-predisposing syndrome. Also called: Tumor predisposition; Hereditary Cancer Syndrome; Neoplastic Syndromes, Hereditary; Hereditary neoplastic syndrome. Identifiers: Orphanet 140162, MedGen C0027672, MeSH D009386, MONDO:0015356.
Familial cancer of breast. Also called: Hereditary breast cancer; BREAST CANCER, FAMILIAL; hereditary breast carcinoma. Identifiers: Orphanet 227535, MedGen C0346153, MONDO:0016419, OMIM 114480. Disease mechanism: loss of function.

Submissions (2):

Myriad Genetics, Inc.
Classification: Benign for Familial cancer of breast. Last evaluated: 2024-04-25. Review status: criteria provided, single submitter. Criteria: Myriad Autosomal Dominant, Autosomal Recessive and X-Linked Classification Criteria (2023). Collection method: clinical testing. Allele origin: unknown.
Comment: This variant is considered benign. This variant is a silent/synonymous amino acid change and it is not expected to impact splicing.

Ambry Genetics
Classification: Likely benign for Hereditary cancer-predisposing syndrome. Last evaluated: 2020-11-10. Review status: criteria provided, single submitter. Criteria: Ambry Variant Classification Scheme 2023. Collection method: clinical testing. Allele origin: germline.